The following is an entry in ClinVar:

NM_004947.5(DOCK3):c.5320C>T (p.Arg1774Cys)

Gene: DOCK3 (dedicator of cytokinesis 3; plus strand). Cytogenetic location: 3p21.2.
Variant type: single nucleotide variant.
Coding change: c.5320C>T on transcript NM_004947.5 (MANE Select); coding-DNA position 5320, C replaced by T.
Protein change: p.Arg1774Cys; replaces arginine 1774 with cysteine.
Molecular consequence: missense variant.
Genome position (GRCh38, 1-based): chr3:51,374,495, C>T. VCF-style: chr3-51374495-C-T. GRCh37 (hg19) VCF-style: chr3-51411926-C-T.
Other names: short protein forms R1774C.
Identifiers: ClinVar variation 5040842 (VCV005040842.1).

ClinVar aggregate classification (germline): Uncertain significance (1 of 4 stars; one submission).

gnomAD v4.1: 25 of 1,613,500 alleles (0.0015%); highest among the groups gnomAD compares: Admixed American, 0.0033%; no homozygotes.

Submission:

CeGaT Center for Human Genetics Tuebingen
Classification: Uncertain significance. Last evaluated: 2026-09-01. Review status: criteria provided, single submitter. Criteria: CeGaT Center For Human Genetics Tuebingen Variant Classification Criteria Version 2. Collection method: clinical testing. Allele origin: germline. Affected: yes. Observed: 1 variant allele.
Comment: DOCK3: PM2